The following is an entry in ClinVar:

ClinVar aggregate classification (germline): Uncertain significance. Review status: criteria provided, single submitter (1 of 4 stars). 2 submissions from 2 submitters: Uncertain significance (1). 1 of the submissions does not count toward it.

Conditions:
Hepatoencephalopathy due to combined oxidative phosphorylation defect type 1. Also called: HEPATOENCEPHALOPATHY, EARLY FATAL PROGRESSIVE. Identifiers: Orphanet 137681, MedGen C1836797, MONDO:0012191, OMIM 609060.

Submissions (2):

Neuberg Centre For Genomic Medicine, NCGM
Classification: Uncertain significance for Hepatoencephalopathy due to combined oxidative phosphorylation defect type 1. Review status: criteria provided, single submitter. Criteria: ACMG Guidelines, 2015. Collection method: clinical testing. Allele origin: germline. Inheritance: Autosomal recessive inheritance. Affected: yes.
Comment: The missense c.152T>G (p.Ile51Ser) variant in GFM1 gene has not been reported previously as a pathogenic variant nor as a benign variant, to our knowledge. The variant is novel (not in any individuals) in gnomAD Exomes and 1000 Genomes. The amino acid Ile at position 51 is changed to a Ser changing protein sequence and it might alter its composition and physico-chemical properties. For these reasons, this variant has been classified as Uncertain Significance.

Natera, Inc.
Classification: Uncertain significance for Combined oxidative phosphorylation deficiency 1. Last evaluated: 2025-01-31. Review status: no assertion criteria provided. Collection method: clinical testing. Allele origin: germline. Not counted in ClinVar's aggregate classification.

NM_024996.7(GFM1):c.152T>G (p.Ile51Ser)

Gene: GFM1 (G elongation factor mitochondrial 1; plus strand). Cytogenetic location: 3q25.32.
Variant type: single nucleotide variant.
Coding change: c.152T>G on transcript NM_024996.7 (MANE Select); coding-DNA position 152, T replaced by G.
Protein change: p.Ile51Ser; replaces isoleucine 51 with serine.
Molecular consequence: missense variant. On other transcripts: 5 prime UTR variant (4), non-coding transcript variant (4).
Genome position (GRCh38, 1-based): chr3:158,645,699, T>G. VCF-style: chr3-158645699-T-G. GRCh37 (hg19) VCF-style: chr3-158363488-T-G.
Other names: c.152T>G (NM_024996.5); c.152T>G, p.Ile51Ser (NM_001308164.2, NM_001308166.2, NM_001374355.1 and 2 more transcripts); c.-74T>G (NM_001374357.1); c.-78T>G (NM_001374359.1, NM_001374360.1, NM_001374361.1); short protein forms I51S.
Identifiers: ClinVar variation 2585025 (VCV002585025.2), dbSNP rs2473935329, ClinGen allele CA355175234.
Genomic context (GRCh38, chr3:158,645,699, plus strand): 5'-AGGCCTGCCGATGGTCTTCATCAGGGGTGATTCCTAATGAAAAAATACGAAATATTGGAA[T>G]CTCAGCTCACATTGATTCTGGGAAAACTACATTAACAGAACGAGTCCTTTACTACACTGG-3'
Protein context (NP_079272.4, residues 41-61): IPNEKIRNIG[Ile51Ser]SAHIDSGKTT